The following is an entry in ClinVar:

ClinVar aggregate classification (germline): Uncertain significance (1 of 4 stars; one submission).

Conditions:
Cataract 5 multiple types (CTRCT5). Also called: Lamellar cataract; CATARACT, MARNER TYPE; CATARACT 5, LAMELLAR. Identifiers: Orphanet 91492, MedGen C0266537, MONDO:0007290, OMIM 116800, HP:0007971.

Submission:

Labcorp Genetics (formerly Invitae), Labcorp
Classification: Uncertain significance for Cataract 5 multiple types. Last evaluated: 2018-07-16. Review status: criteria provided, single submitter. Criteria: Invitae Variant Classification Sherloc (09022015). Collection method: clinical testing. Allele origin: germline.
Comment: This sequence change falls in intron 4 of the HSF4 gene. It does not directly change the encoded amino acid sequence of the HSF4 protein, but it affects a nucleotide within the consensus splice site of the intron. This variant is not present in population databases (ExAC no frequency). This variant has not been reported in the literature in individuals with HSF4-related disease. Nucleotide substitutions within the consensus splice site are a relatively common cause of aberrant splicing (PMID: 17576681, 9536098). Algorithms developed to predict the effect of sequence changes on RNA splicing suggest that this variant may disrupt the consensus splice site, but this prediction has not been confirmed by published transcriptional studies. In summary, the available evidence is currently insufficient to determine the role of this variant in disease. Therefore, it has been classified as a Variant of Uncertain Significance.

Literature cited by the submitters: PubMed 17576681; PubMed 9536098.

NM_001374675.1(HSF4):c.232+4A>G

Gene: HSF4 (heat shock transcription factor 4; plus strand). Cytogenetic location: 16q22.1.
Variant type: single nucleotide variant.
Coding change: c.232+4A>G on transcript NM_001374675.1 (MANE Select); 4 bases into the intron after coding-DNA position 232, A replaced by G.
Molecular consequence: intron variant.
Genome position (GRCh38, 1-based): chr16:67,165,634, A>G. VCF-style: chr16-67165634-A-G. GRCh37 (hg19) VCF-style: chr16-67199537-A-G.
Other names: c.232+4A>G (NM_001538.4, NM_001040667.3, NM_001374674.1).
Identifiers: ClinVar variation 580870 (VCV000580870.7), dbSNP rs1567668314, ClinGen allele CA891843699.